The following is an entry in ClinVar:

ClinVar aggregate classification (germline): Uncertain significance (1 of 4 stars; one submission).

Conditions:
Autosomal dominant polycystic kidney disease. Identifiers: Orphanet 730, MedGen C0085413, MONDO:0004691.

Allele frequency attached by ClinVar (database versions not stated): gnomAD exomes below 0.00001; ExAC 0.00001.
gnomAD v4.1: 2 of 1,613,768 alleles (0.00012%); highest among the groups gnomAD compares: Non-Finnish European, 0.00017%; no homozygotes.

Submission:

Labcorp Genetics (formerly Invitae), Labcorp
Classification: Uncertain significance for Autosomal dominant polycystic kidney disease. Last evaluated: 2022-05-25. Review status: criteria provided, single submitter. Criteria: Invitae Variant Classification Sherloc (09022015). Collection method: clinical testing. Allele origin: germline.
Comment: This variant has not been reported in the literature in individuals affected with PKD2-related conditions. Algorithms developed to predict the effect of missense changes on protein structure and function (SIFT, PolyPhen-2, Align-GVGD) all suggest that this variant is likely to be disruptive. In summary, the available evidence is currently insufficient to determine the role of this variant in disease. Therefore, it has been classified as a Variant of Uncertain Significance. This variant is present in population databases (rs767469818, gnomAD 0.0009%). This sequence change replaces methionine, which is neutral and non-polar, with threonine, which is neutral and polar, at codon 603 of the PKD2 protein (p.Met603Thr).

NM_000297.4(PKD2):c.1808T>C (p.Met603Thr)

Gene: PKD2 (polycystin 2, transient receptor potential cation channel; plus strand). Cytogenetic location: 4q22.1.
Variant type: single nucleotide variant.
Coding change: c.1808T>C on transcript NM_000297.4 (MANE Select); coding-DNA position 1808, T replaced by C.
Protein change: p.Met603Thr; replaces methionine 603 with threonine.
Molecular consequence: missense variant. On other transcripts: non-coding transcript variant (1).
Genome position (GRCh38, 1-based): chr4:88,056,177, T>C. VCF-style: chr4-88056177-T-C. GRCh37 (hg19) VCF-style: chr4-88977329-T-C.
Other names: short protein forms M603T.
Identifiers: ClinVar variation 1961944 (VCV001961944.5), dbSNP rs767469818, ClinGen allele CA3004055.